The following is an entry in ClinVar:

NM_002519.3(NPAT):c.3314C>G (p.Ser1105Cys)

Gene: NPAT (nuclear protein, coactivator of histone transcription; minus strand). Cytogenetic location: 11q22.3.
Variant type: single nucleotide variant.
Coding change: c.3314C>G on transcript NM_002519.3 (MANE Select); coding-DNA position 3314, C replaced by G.
Protein change: p.Ser1105Cys; replaces serine 1105 with cysteine.
Molecular consequence: missense variant.
Genome position (GRCh38, 1-based): chr11:108,161,772, G>C on the plus strand (C>G on the coding strand, the complement: NPAT is on the minus strand). VCF-style: chr11-108161772-G-C. GRCh37 (hg19) VCF-style: chr11-108032499-G-C.
Other names: c.3335C>G, p.Ser1112Cys (NM_001321307.1); short protein forms S1105C, S1112C.
Identifiers: ClinVar variation 1730118 (VCV001730118.2), dbSNP rs1369188422, ClinGen allele CA382511080.

ClinVar aggregate classification (germline): Uncertain significance (1 of 4 stars; one submission).

Allele frequency attached by ClinVar (database versions not stated): gnomAD exomes below 0.00001; TOPMed below 0.00001; gnomAD 0.00001.

Submission:

Ambry Genetics
Classification: Uncertain significance. Last evaluated: 2021-06-30. Review status: criteria provided, single submitter. Criteria: Ambry Variant Classification Scheme 2023. Collection method: clinical testing. Allele origin: germline.
Comment: The p.S1105C variant (also known as c.3314C>G), located in coding exon 17 of the NPAT gene, results from a C to G substitution at nucleotide position 3314. The serine at codon 1105 is replaced by cysteine, an amino acid with dissimilar properties. This amino acid position is conserved. In addition, this alteration is predicted to be tolerated by in silico analysis. Since supporting evidence is limited at this time, the clinical significance of this alteration remains unclear.